The following is an entry in ClinVar:

ClinVar aggregate classification (germline): Uncertain significance (1 of 4 stars; one submission).

Conditions:
Pitt-Hopkins syndrome (PTHS). Also called: ENCEPHALOPATHY, SEVERE EPILEPTIC, WITH AUTONOMIC DYSFUNCTION; MENTAL RETARDATION, SYNDROMAL, WITH INTERMITTENT HYPERVENTILATION. Identifiers: Orphanet 2896, MedGen C1970431, MONDO:0012589, OMIM 610954.

Submission:

Labcorp Genetics (formerly Invitae), Labcorp
Classification: Uncertain significance for Pitt-Hopkins syndrome. Last evaluated: 2023-06-18. Review status: criteria provided, single submitter. Criteria: Invitae Variant Classification Sherloc (09022015). Collection method: clinical testing. Allele origin: germline.
Comment: This variant has not been reported in the literature in individuals affected with TCF4-related conditions. This variant is not present in population databases (gnomAD no frequency). This sequence change replaces isoleucine, which is neutral and non-polar, with lysine, which is basic and polar, at codon 100 of the TCF4 protein (p.Ile100Lys). Advanced modeling of protein sequence and biophysical properties (such as structural, functional, and spatial information, amino acid conservation, physicochemical variation, residue mobility, and thermodynamic stability) has been performed at Invitae for this missense variant, however the output from this modeling did not meet the statistical confidence thresholds required to predict the impact of this variant on TCF4 protein function. In summary, the available evidence is currently insufficient to determine the role of this variant in disease. Therefore, it has been classified as a Variant of Uncertain Significance.

NM_001083962.2(TCF4):c.299T>A (p.Ile100Lys)

Genes: TCF4 (transcription factor 4; minus strand), TCF4-AS1 (TCF4 antisense RNA 1; plus strand). Cytogenetic location: 18q21.2.
Variant type: single nucleotide variant.
Coding change: c.299T>A on transcript NM_001083962.2 (MANE Select); coding-DNA position 299, T replaced by A.
Protein change: p.Ile100Lys; replaces isoleucine 100 with lysine.
Molecular consequence: missense variant.
Genome position (GRCh38, 1-based): chr18:55,461,024, A>T on the plus strand (T>A on the coding strand, the complement: TCF4 is on the minus strand). VCF-style: chr18-55461024-A-T. GRCh37 (hg19) VCF-style: chr18-53128255-A-T.
Other names: c.227T>A, p.Ile76Lys (NM_001348219.2, NM_001348220.1, NM_001369575.1 and 15 more transcripts); c.299T>A, p.Ile100Lys (NM_001369567.1, NM_001369568.1, NM_001369569.1 and 8 more transcripts); c.605T>A, p.Ile202Lys (NM_001243226.3); c.293T>A, p.Ile98Lys (NM_001243230.2); c.173T>A, p.Ile58Lys (NM_001243231.2, NM_001348211.2); short protein forms I202K, I76K, I98K, I100K, I58K.
Identifiers: ClinVar variation 2718894 (VCV002718894.3), dbSNP rs2513636940, ClinGen allele CA402703449.